The following is an entry in ClinVar:

ClinVar aggregate classification (germline): Uncertain significance (1 of 4 stars; one submission).

Submission:

GeneDx
Classification: Uncertain significance. Last evaluated: 2023-07-05. Review status: criteria provided, single submitter. Criteria: GeneDx Variant Classification Process June 2021. Collection method: clinical testing. Allele origin: germline. Affected: yes.
Comment: Canonical splice site variant in a gene or region of a gene for which loss of function is not a well-established mechanism of disease; Not observed at significant frequency in large population cohorts (gnomAD); Has not been previously published as pathogenic or benign to our knowledge

NM_006445.4(PRPF8):c.435-2A>G

Gene: PRPF8 (pre-mRNA processing factor 8; minus strand). Cytogenetic location: 17p13.3.
Variant type: single nucleotide variant.
Coding change: c.435-2A>G on transcript NM_006445.4 (MANE Select); the canonical splice acceptor site of the intron before coding-DNA position 435, A replaced by G.
Molecular consequence: splice acceptor variant.
Genome position (GRCh38, 1-based): chr17:1,682,040, T>C on the plus strand (A>G on the coding strand, the complement: PRPF8 is on the minus strand). VCF-style: chr17-1682040-T-C. GRCh37 (hg19) VCF-style: chr17-1585334-T-C.
Identifiers: ClinVar variation 3360670 (VCV003360670.1).